The following is an entry in ClinVar:

ClinVar aggregate classification (germline): Uncertain significance (1 of 4 stars; one submission).

Conditions:
Glycogen storage disease type X (GSD10). Also called: MYOPATHY DUE TO PHOSPHOGLYCERATE MUTASE DEFICIENCY; PGAMM DEFICIENCY; PHOSPHOGLYCERATE MUTASE, MUSCLE, DEFICIENCY OF; Dimauro disease; Glycogen storage disease due to phosphoglycerate mutase deficiency; GSD X. Identifiers: Orphanet 97234, MedGen C0268149, MONDO:0009865, OMIM 261670.

Allele frequency attached by ClinVar (database versions not stated): TOPMed 0.00001.

Submission:

Labcorp Genetics (formerly Invitae), Labcorp
Classification: Uncertain significance for Glycogen storage disease type X. Last evaluated: 2022-06-04. Review status: criteria provided, single submitter. Criteria: Invitae Variant Classification Sherloc (09022015). Collection method: clinical testing. Allele origin: germline.
Comment: In summary, the available evidence is currently insufficient to determine the role of this variant in disease. Therefore, it has been classified as a Variant of Uncertain Significance. Algorithms developed to predict the effect of missense changes on protein structure and function output the following: SIFT: "Tolerated"; PolyPhen-2: "Benign"; Align-GVGD: "Class C0". The aspartic acid amino acid residue is found in multiple mammalian species, which suggests that this missense change does not adversely affect protein function. This variant has not been reported in the literature in individuals affected with PGAM2-related conditions. This variant is not present in population databases (gnomAD no frequency). This sequence change replaces glycine, which is neutral and non-polar, with aspartic acid, which is acidic and polar, at codon 144 of the PGAM2 protein (p.Gly144Asp).

NM_000290.4(PGAM2):c.431G>A (p.Gly144Asp)

Genes: PGAM2 (phosphoglycerate mutase 2; minus strand), DBNL (drebrin like; plus strand). Cytogenetic location: 7p13.
Variant type: single nucleotide variant.
Coding change: c.431G>A on transcript NM_000290.4 (MANE Select); coding-DNA position 431, G replaced by A.
Protein change: p.Gly144Asp; replaces glycine 144 with aspartic acid.
Molecular consequence: missense variant. On other transcripts: 3 prime UTR variant (6).
Genome position (GRCh38, 1-based): chr7:44,064,996, C>T on the plus strand (G>A on the coding strand, the complement: PGAM2 is on the minus strand). VCF-style: chr7-44064996-C-T. GRCh37 (hg19) VCF-style: chr7-44104595-C-T.
Other names: c.*4080C>T (NM_001014436.3, NM_001122956.2, NM_001284313.2 and 3 more transcripts); short protein forms G144D.
Identifiers: ClinVar variation 2415007 (VCV002415007.5), dbSNP rs1316472404, ClinGen allele CA367367722.